The following is an entry in ClinVar:

NM_000127.3(EXT1):c.1835G>A (p.Trp612Ter)

Gene: EXT1 (exostosin glycosyltransferase 1; minus strand). Cytogenetic location: 8q24.11.
Variant type: single nucleotide variant.
Coding change: c.1835G>A on transcript NM_000127.3 (MANE Select); coding-DNA position 1835, G replaced by A.
Protein change: p.Trp612Ter; replaces tryptophan 612 with a stop codon.
Molecular consequence: nonsense.
Genome position (GRCh38, 1-based): chr8:117,807,265, C>T on the plus strand (G>A on the coding strand, the complement: EXT1 is on the minus strand). VCF-style: chr8-117807265-C-T. GRCh37 (hg19) VCF-style: chr8-118819504-C-T.
Other names: short protein forms W612*.
Identifiers: ClinVar variation 2114349 (VCV002114349.5), dbSNP rs2488089187, ClinGen allele CA371878087.

ClinVar aggregate classification (germline): Pathogenic. Review status: criteria provided, multiple submitters, no conflicts (2 of 4 stars). 2 submissions from 2 submitters: Pathogenic (2). Last evaluated 2023-09-18.

Conditions:
Multiple congenital exostosis (EXT). Also called: Hereditary multiple osteochondromas; Multiple exostoses; Multiple osteochondromas; MULTIPLE CARTILAGINOUS EXOSTOSES; Hereditary multiple exostoses; Hereditary multiple exostosis. Identifiers: Orphanet 321, MedGen C0015306, MONDO:0005508, HP:0002762.

Submissions (2):

GeneDx
Classification: Pathogenic. Last evaluated: 2023-09-18. Review status: criteria provided, single submitter. Criteria: GeneDx Variant Classification Process June 2021. Collection method: clinical testing. Allele origin: germline. Affected: yes.
Comment: Nonsense variant predicted to result in protein truncation or nonsense mediated decay in a gene for which loss of function is a known mechanism of disease; Not observed at significant frequency in large population cohorts (gnomAD); Has not been previously published as pathogenic or benign to our knowledge

Labcorp Genetics (formerly Invitae), Labcorp
Classification: Pathogenic for Multiple congenital exostosis. Last evaluated: 2022-07-01. Review status: criteria provided, single submitter. Criteria: Invitae Variant Classification Sherloc (09022015). Collection method: clinical testing. Allele origin: germline.
Comment: For these reasons, this variant has been classified as Pathogenic. This premature translational stop signal has been observed in individual(s) with multiple osteochondromas (PMID: 19810120). This variant is not present in population databases (gnomAD no frequency). This sequence change creates a premature translational stop signal (p.Trp612*) in the EXT1 gene. It is expected to result in an absent or disrupted protein product. Loss-of-function variants in EXT1 are known to be pathogenic (PMID: 10679937, 11391482, 19810120).

Literature cited by the submitters: PubMed 19810120 (cited by Labcorp Genetics (formerly Invitae), Labcorp); PubMed 10679937 (cited by Labcorp Genetics (formerly Invitae), Labcorp); PubMed 11391482 (cited by Labcorp Genetics (formerly Invitae), Labcorp).